The following is an entry in ClinVar:

NM_000116.5(TAFAZZIN):c.763G>A (p.Glu255Lys)

Gene: TAFAZZIN (tafazzin, phospholipid-lysophospholipid transacylase; plus strand). Cytogenetic location: Xq28.
Variant type: single nucleotide variant.
Coding change: c.763G>A on transcript NM_000116.5 (MANE Select); coding-DNA position 763, G replaced by A.
Protein change: p.Glu255Lys; replaces glutamic acid 255 with lysine.
Molecular consequence: missense variant. On other transcripts: non-coding transcript variant (1).
Genome position (GRCh38, 1-based): chrX:154,420,721, G>A. VCF-style: chrX-154420721-G-A. GRCh37 (hg19) VCF-style: chrX-153649060-G-A.
Other names: p.E255K:GAG>AAG; c.775G>A, p.Glu259Lys (NM_001303465.2); c.673G>A, p.Glu225Lys (NM_181311.4); c.721G>A, p.Glu241Lys (NM_181312.4); c.631G>A, p.Glu211Lys (NM_181313.4); short protein forms E255K, E241K, E225K, E211K, E259K.
Identifiers: ClinVar variation 202096 (VCV000202096.11), dbSNP rs782498694, ClinGen allele CA308807.
Genomic context (GRCh38, chrX:154,420,721, plus strand): 5'-ATCACTGTGCTGATCGGGAAGCCCTTCAGTGCCCTGCCTGTACTCGAGCGGCTCCGGGCG[G>A]AGAACAAGTCGGCTGTGAGTTTCCTCCTGGGTCCCCCGTAGCTGTCCCCGGACCCCCTGC-3'
Protein context (NP_000107.1, residues 245-265): ALPVLERLRA[Glu255Lys]NKSAVEMRKA

ClinVar aggregate classification (germline): Uncertain significance. Review status: criteria provided, multiple submitters, no conflicts (2 of 4 stars). 4 submissions from 4 submitters: Uncertain significance (4). Last evaluated 2025-12-23.

Conditions:
Cardiovascular phenotype. Identifiers: MedGen CN230736.
3-Methylglutaconic aciduria type 2 (BTHS). Also called: CARDIOSKELETAL MYOPATHY WITH NEUTROPENIA AND ABNORMAL MITOCHONDRIA; Barth syndrome. Identifiers: Orphanet 111, MedGen C0574083, MONDO:0010543, OMIM 302060.

Allele frequency attached by ClinVar (database versions not stated): ExAC 0.00001; gnomAD exomes 0.00001; TOPMed 0.00002; gnomAD 0.00003.
gnomAD v4.1: 9 of 1,209,238 alleles (0.00074%); highest among the groups gnomAD compares: African/African-American, 0.0035%; no homozygotes.

Submissions (4):

Labcorp Genetics (formerly Invitae), Labcorp
Classification: Uncertain significance for 3-Methylglutaconic aciduria type 2. Last evaluated: 2025-12-23. Review status: criteria provided, single submitter. Criteria: Invitae Variant Classification Sherloc (09022015). Collection method: clinical testing. Allele origin: germline.
Comment: This sequence change replaces glutamic acid, which is acidic and polar, with lysine, which is basic and polar, at codon 255 of the TAZ protein (p.Glu255Lys). This variant is present in population databases (rs782498694, gnomAD 0.006%). This missense change has been observed in individual(s) with a cardiovascular malformation (PMID: 29089047). ClinVar contains an entry for this variant (Variation ID: 202096). An algorithm developed to predict the effect of missense changes on protein structure and function (PolyPhen-2) suggests that this variant is likely to be tolerated. In summary, the available evidence is currently insufficient to determine the role of this variant in disease. Therefore, it has been classified as a Variant of Uncertain Significance.

Ambry Genetics
Classification: Uncertain significance for Cardiovascular phenotype. Last evaluated: 2023-11-21. Review status: criteria provided, single submitter. Criteria: Ambry Variant Classification Scheme 2023. Collection method: clinical testing. Allele origin: germline.
Comment: The p.E255K variant (also known as c.763G>A), located in coding exon 10 of the TAZ gene, results from a G to A substitution at nucleotide position 763. The glutamic acid at codon 255 is replaced by lysine, an amino acid with similar properties. This variant has been detected in a cohort with congenital cardiac left sided lesions (Li AH et al. Genome Med. 2017 Oct;9(1):95). Based on data from gnomAD, the A allele has an overall frequency of 0.002% (4/204852) total alleles studied, with 2 hemizygote(s) observed. The highest observed frequency was 0.0053% (1/18868) of African/African American alleles. This amino acid position is highly conserved in available vertebrate species. In addition, the in silico prediction for this alteration is inconclusive. Since supporting evidence is limited at this time, the clinical significance of this alteration remains unclear.

Victorian Clinical Genetics Services, Murdoch Childrens Research Institute
Classification: Uncertain significance for 3-Methylglutaconic aciduria type 2. Last evaluated: 2021-05-06. Review status: criteria provided, single submitter. Criteria: ACMG Guidelines, 2015. Collection method: clinical testing. Allele origin: germline. Inheritance: X-linked recessive inheritance. Affected: yes.
Comment: Based on the classification scheme VCGS_Germline_v1.3.3, this variant is classified as 3B-VUS. Following criteria are met: 0102 - Loss of function is a known mechanism of disease in this gene and is associated with Barth syndrome (MIM#302060). (I) 0109 - This gene is associated with X-linked recessive disease. (I) 0200 - Variant is predicted to result in a missense amino acid change from glutamic acid to lysine. (I) 0251 - This variant is heterozygous. (I) 0304 - Variant is present in gnomAD <0.01 for a recessive condition (v2: 2 heterozygotes, 0 homozygotes, 2 hemizygotes). (SP) 0502 - Missense variant with conflicting in silico predictions and uninformative conservation. (I) 0600 - Variant is located in the annotated LPLAT_AGPAT-like domain (NCBI). (I) 0705 - No comparable missense variants have previous evidence for pathogenicity. (I) 0809 - Previous evidence of pathogenicity for this variant is inconclusive. It has been reported as a VUS for 3-Methylglutaconic aciduria type 2 (ClinVar) and was also regarded as a candidate variant for left-side lesion (LSL) based on in silico studies (PMID: 29089047). (I) 0905 - No published segregation evidence has been identified for this variant. (I) 1007 - No published functional evidence has been identified for this variant. (I) 1208 - Inheritance information for this variant is not currently available in this individual. (I) Legend: (SP) - Supporting pathogenic, (I) - Information, (SB) - Supporting benign

GeneDx
Classification: Uncertain significance. Last evaluated: 2014-02-24. Review status: criteria provided, single submitter. Criteria: GeneDx Variant Classification (06012015). Collection method: clinical testing. Allele origin: germline. Affected: yes.
Comment: p.Glu255Lys (GAG>AAG): c.763 G>A in exon 10 of the TAZ gene (NM_000116.3). The E255K variant in the TAZ gene has not been reported as a disease-causing mutation or as a benign polymorphism to our knowledge. The E255K variant is a non-conservative amino acid substitution as these residues differ in polarity, charge, size and/or other properties and is more likely to impact secondary structure. The E255 residue is class conserved across species. However, in silico analysis was inconsistent with regard to the effect this variant may have on the protein structure/function. Nevertheless, the E255K variant was not observed in approximately 6,500 individuals of European and African American ancestry in the NHLBI Exome Sequencing Project, indicating it is not a common benign variant in these populations. With the clinical and molecular information available at this time, we cannot definitively determine if E255K is a disease-causing mutation or a rare benign variant. The variant is found in DCM-CRDM panel(s).

Literature cited by the submitters: PubMed 29089047 (cited by 3 submitters).